The following is an entry in ClinVar:

ClinVar aggregate classification (germline): Uncertain significance (1 of 4 stars; one submission).

Conditions:
Neurodevelopmental disorder with or without hyperkinetic movements and seizures, autosomal dominant. Also called: Intellectual disability, autosomal dominant 8. Identifiers: MedGen C3280282, MONDO:0013655, OMIM 614254.

gnomAD v4.1: 1 of 1,608,022 alleles (0.000062%); highest among the groups gnomAD compares: East Asian, 0.0022%; no homozygotes.

Submission:

Labcorp Genetics (formerly Invitae), Labcorp
Classification: Uncertain significance for Neurodevelopmental disorder with or without hyperkinetic movements and seizures, autosomal dominant. Last evaluated: 2023-02-17. Review status: criteria provided, single submitter. Criteria: Invitae Variant Classification Sherloc (09022015). Collection method: clinical testing. Allele origin: germline.
Comment: In summary, the available evidence is currently insufficient to determine the role of this variant in disease. Therefore, it has been classified as a Variant of Uncertain Significance. An algorithm developed to predict the effect of missense changes on protein structure and function (PolyPhen-2) suggests that this variant is likely to be tolerated. ClinVar contains an entry for this variant (Variation ID: 1720436). This variant has not been reported in the literature in individuals affected with GRIN1-related conditions. This variant is not present in population databases (gnomAD no frequency). This sequence change replaces lysine, which is basic and polar, with asparagine, which is neutral and polar, at codon 778 of the GRIN1 protein (p.Lys778Asn).

NM_007327.4(GRIN1):c.2334G>T (p.Lys778Asn)

Gene: GRIN1 (glutamate ionotropic receptor NMDA type subunit 1; plus strand). Cytogenetic location: 9q34.3.
Variant type: single nucleotide variant.
Coding change: c.2334G>T on transcript NM_007327.4 (MANE Select); coding-DNA position 2334, G replaced by T.
Protein change: p.Lys778Asn; replaces lysine 778 with asparagine.
Molecular consequence: missense variant.
Genome position (GRCh38, 1-based): chr9:137,163,559, G>T. VCF-style: chr9-137163559-G-T. GRCh37 (hg19) VCF-style: chr9-140058011-G-T.
Other names: c.2334G>T, p.Lys778Asn (NM_000832.7, NM_021569.4); c.2397G>T, p.Lys799Asn (NM_001185090.2, NM_001185091.2); short protein forms K778N, K799N.
Identifiers: ClinVar variation 1720436 (VCV001720436.6), dbSNP rs1176826197, ClinGen allele CA375724905.